The following is an entry in ClinVar:

NM_001365308.1(BMPER):c.133+8A>T

Gene: BMPER (BMP binding endothelial regulator; plus strand). Cytogenetic location: 7p14.3.
Variant type: single nucleotide variant.
Coding change: c.133+8A>T on transcript NM_001365308.1 (MANE Select); 8 bases into the intron after coding-DNA position 133, A replaced by T.
Molecular consequence: intron variant.
Genome position (GRCh38, 1-based): chr7:33,905,754, A>T. VCF-style: chr7-33905754-A-T. GRCh37 (hg19) VCF-style: chr7-33945366-A-T.
Other names: c.133+8A>T (NM_133468.5, NM_001410872.1).
Identifiers: ClinVar variation 3050672 (VCV003050672.2), dbSNP rs1350356122, ClinGen allele CA573994668.

ClinVar aggregate classification (germline): Likely benign (0 of 4 stars; one submission).

Conditions:
BMPER-related disorder. Also called: BMPER-related condition.

Allele frequency attached by ClinVar (database versions not stated): gnomAD 0.00001.

Submission:

PreventionGenetics, part of Exact Sciences
Classification: Likely benign for BMPER-related condition. Last evaluated: 2019-07-15. Review status: no assertion criteria provided. Collection method: clinical testing. Allele origin: germline.
Comment: This variant is classified as likely benign based on ACMG/AMP sequence variant interpretation guidelines (Richards et al. 2015 PMID: 25741868, with internal and published modifications).